The following is an entry in ClinVar:

NC_000006.11:g.(?_65146057)_(65149255_?)del

Gene: EYS (eyes shut homolog; minus strand). Cytogenetic location: 6q12.
Variant type: Deletion.
Identifiers: ClinVar variation 2423840 (VCV002423840.3).

ClinVar aggregate classification (germline): Pathogenic (1 of 4 stars; one submission).

Submission:

Labcorp Genetics (formerly Invitae), Labcorp
Classification: Pathogenic. Last evaluated: 2022-06-26. Review status: criteria provided, single submitter. Criteria: Invitae Variant Classification Sherloc (09022015). Collection method: clinical testing. Allele origin: germline.
Comment: This variant is a gross deletion of the genomic region encompassing exon(s) 27-28 of the EYS gene. This deletion is out-of-frame, and is expected to create a premature termination codon and result in an absent or disrupted protein product. Loss-of-function variants in EYS are known to be pathogenic (PMID: 18836446, 20333770). This variant has not been reported in the literature in individuals affected with EYS-related conditions. For these reasons, this variant has been classified as Pathogenic.

Literature cited by the submitters: PubMed 18836446; PubMed 20333770.